The following is an entry in ClinVar:

NM_017662.5(TRPM6):c.2189_2197del (p.Thr730_Trp733delinsArg)

Gene: TRPM6 (transient receptor potential cation channel subfamily M member 6; minus strand). Cytogenetic location: 9q21.13.
Variant type: Deletion.
Coding change: c.2189_2197del on transcript NM_017662.5 (MANE Select); coding-DNA positions 2189 to 2197, 9 bases deleted (CAGACATGT; older notation c.2189_2197delCAGACATGT).
Protein change: p.Thr730_Trp733delinsArg.
Molecular consequence: inframe indel.
Genome position (GRCh38, 1-based): chr9:74,800,295-74,800,303, ACATGTCTG deleted on the plus strand (CAGACATGT on the coding strand, the reverse complement: TRPM6 is on the minus strand). VCF-style (leftmost placement, unchanged base first): chr9-74800294-CACATGTCTG-C. GRCh37 (hg19) VCF-style: chr9-77415210-CACATGTCTG-C.
Other names: c.2174_2182del, p.Thr725_Trp728delinsArg (NM_001177310.2, NM_001177311.2).
Identifiers: ClinVar variation 2585331 (VCV002585331.1), dbSNP rs2490018450, ClinGen allele CA2582341992.
Genomic context (GRCh38, chr9:74,800,294, plus strand): 5'-GACAAGTAAAGTAAATTTACCTTTAACCAAGAGTTTTTCCTCATTTTCAGCCTCCCCATC[CACATGTCTG>C]TCAGTAGCATCTGGGTACAAGTATGTGAAACAAAGGGTCGTAATCCTCCCGACACGGCCA-3'

ClinVar aggregate classification (germline): Uncertain significance (1 of 4 stars; one submission).

Conditions:
Intestinal hypomagnesemia 1. Also called: HYPOMAGNESEMIA, INTESTINAL, WITH SECONDARY HYPOCALCEMIA; HYPOMAGNESEMIC TETANY. Identifiers: Orphanet 30924, MedGen C1865974, MONDO:0011176, OMIM 602014.

Submission:

Neuberg Centre For Genomic Medicine, NCGM
Classification: Uncertain significance for Intestinal hypomagnesemia 1. Review status: criteria provided, single submitter. Criteria: ACMG Guidelines, 2015. Collection method: clinical testing. Allele origin: germline. Inheritance: Autosomal recessive inheritance. Affected: yes.
Comment: The disruptive in-frame deletion p.T730_W733delinsR in TRPM6 (NM_017662.5) has not been reported previously as a pathogenic variant nor as a benign variant, to our knowledge. The p.T730_W733delinsR variant is novel (not in any individuals) in gnomAD Exomes and is novel (not in any individuals) in 1000 Genomes. This variant results in a deletion of 4 amino acid residues starting at 730, including ThrAspMetTrp. However, as this is an in-frame deletion, it is not expected to result in either a truncated protein product or loss of protein through nonsense-mediated mRNA decay. The p.T730_W733delinsR variant is not in a repeat region. The p.T730_W733delinsR variant results in a deletion of 9 bases that are predicted conserved by GERP++ and PhyloP. The nucleotide c.2189 in TRPM6 is predicted conserved by GERP++ and PhyloP across 100 vertebrates. For these reasons, this variant has been classified as Uncertain Significance.